The following is an entry in ClinVar:

ClinVar aggregate classification (germline): Likely benign (1 of 4 stars; one submission).

Conditions:
PDE6B-related disorder. Also called: PDE6B-related disease; PDE6B-related condition; PDE6B-related disorders.

gnomAD v4.1: 4 of 1,613,114 alleles (0.00025%); highest among the groups gnomAD compares: Non-Finnish European, 0.00025%; no homozygotes.

Submission:

PreventionGenetics, part of Exact Sciences
Classification: Likely benign for PDE6B-related condition. Last evaluated: 2025-01-15. Review status: criteria provided, single submitter. Criteria: ACMG Guidelines, 2015. Collection method: clinical testing. Allele origin: germline.
Comment: This variant is classified as likely benign based on ACMG/AMP sequence variant interpretation guidelines (Richards et al. 2015 PMID: 25741868, with internal and published modifications).

NM_000283.4(PDE6B):c.1413G>A (p.Ala471=)

Gene: PDE6B (phosphodiesterase 6B; plus strand). Cytogenetic location: 4p16.3.
Variant type: single nucleotide variant.
Coding change: c.1413G>A on transcript NM_000283.4 (MANE Select); coding-DNA position 1413, G replaced by A.
Protein change: p.Ala471=; no amino-acid change (alanine 471 retained).
Molecular consequence: synonymous variant.
Genome position (GRCh38, 1-based): chr4:658,963, G>A. VCF-style: chr4-658963-G-A. GRCh37 (hg19) VCF-style: chr4-652752-G-A.
Other names: c.1413G>A, p.Ala471= (NM_001145291.2, NM_001440547.1, NM_001440548.1); c.576G>A, p.Ala192= (NM_001145292.2, NM_001350154.3, NM_001379246.1 and 1 more transcripts); c.258G>A, p.Ala86= (NM_001350155.3).
Identifiers: ClinVar variation 4984716 (VCV004984716.1).